The following is an entry in ClinVar:

NM_000784.4(CYP27A1):c.1140del (p.Phe380fs)

Gene: CYP27A1 (cytochrome P450 family 27 subfamily A member 1; plus strand). Cytogenetic location: 2q35.
Variant type: Deletion.
Coding change: c.1140del on transcript NM_000784.4 (MANE Select); coding-DNA position 1140, one base deleted (T; older notation c.1140delT).
Protein change: p.Phe380fs; shifts the reading frame from phenylalanine 380.
Molecular consequence: frameshift variant.
Genome position (GRCh38, 1-based): chr2:218,814,143, T deleted; the last of 3 consecutive T bases (chr2:218,814,141-218,814,143); deleting any one gives the same sequence. VCF-style (leftmost placement, unchanged base first): chr2-218814140-CT-C. GRCh37 (hg19) VCF-style: chr2-219678863-CT-C.
Other names: short protein forms F380fs.
Identifiers: ClinVar variation 2006286 (VCV002006286.4), dbSNP rs2470229117, ClinGen allele CA2580065751.

ClinVar aggregate classification (germline): Pathogenic (1 of 4 stars; one submission).

Conditions:
Cholestanol storage disease (CTX). Also called: CTX: Cerebrotendinous xanthomatosis; Cerebrotendinous Xanthomatosis; CEREBRAL CHOLESTERINOSIS. Identifiers: Orphanet 909, MedGen C0238052, MONDO:0008948, OMIM 213700.

Submission:

Labcorp Genetics (formerly Invitae), Labcorp
Classification: Pathogenic for Cholestanol storage disease. Last evaluated: 2022-06-14. Review status: criteria provided, single submitter. Criteria: Invitae Variant Classification Sherloc (09022015). Collection method: clinical testing. Allele origin: germline.
Comment: This sequence change creates a premature translational stop signal (p.Phe380Leufs*28) in the CYP27A1 gene. It is expected to result in an absent or disrupted protein product. Loss-of-function variants in CYP27A1 are known to be pathogenic (PMID: 9392430, 10775536, 26937392). This variant is not present in population databases (gnomAD no frequency). This variant has not been reported in the literature in individuals affected with CYP27A1-related conditions. Algorithms developed to predict the effect of sequence changes on RNA splicing suggest that this variant may create or strengthen a splice site. For these reasons, this variant has been classified as Pathogenic.

Literature cited by the submitters: PubMed 9392430; PubMed 10775536; PubMed 26937392.